The following is an entry in ClinVar:

ClinVar aggregate classification (germline): Benign (0 of 4 stars; one submission).

Conditions:
FOXA3-related disorder. Also called: FOXA3-related condition.

Allele frequency attached by ClinVar (database versions not stated): 1000 Genomes Project 30x 0.06543; TOPMed 0.06938; 1000 Genomes Project 0.06969; ESP Exome Variant Server 0.07350; gnomAD 0.07945; gnomAD exomes 0.09238; ExAC 0.09249.
gnomAD v4.1: 146,940 of 1,613,926 alleles (9.1%); highest among the groups gnomAD compares: South Asian, 9.6%; 7,223 homozygotes.

Submission:

PreventionGenetics, part of Exact Sciences
Classification: Benign for FOXA3-related condition. Last evaluated: 2019-02-22. Review status: no assertion criteria provided. Collection method: clinical testing. Allele origin: germline.
Comment: This variant is classified as benign based on ACMG/AMP sequence variant interpretation guidelines (Richards et al. 2015 PMID: 25741868, with internal and published modifications).

NM_004497.3(FOXA3):c.954C>A (p.Pro318=)

Gene: FOXA3 (forkhead box A3; plus strand). Cytogenetic location: 19q13.32.
Variant type: single nucleotide variant.
Coding change: c.954C>A on transcript NM_004497.3 (MANE Select); coding-DNA position 954, C replaced by A.
Protein change: p.Pro318=; no amino-acid change (proline 318 retained).
Molecular consequence: synonymous variant.
Genome position (GRCh38, 1-based): chr19:45,872,959, C>A. VCF-style: chr19-45872959-C-A. GRCh37 (hg19) VCF-style: chr19-46376217-C-A.
Identifiers: ClinVar variation 3059205 (VCV003059205.2), dbSNP rs3810327, ClinGen allele CA9524629.